The following is an entry in ClinVar:

NM_173354.5(SIK1):c.1235C>T (p.Ser412Leu)

Gene: SIK1 (salt inducible kinase 1; minus strand). Cytogenetic location: 21q22.3.
Variant type: single nucleotide variant.
Coding change: c.1235C>T on transcript NM_173354.5 (MANE Select); coding-DNA position 1235, C replaced by T.
Protein change: p.Ser412Leu; replaces serine 412 with leucine.
Molecular consequence: missense variant.
Genome position (GRCh38, 1-based): chr21:43,419,363, G>A on the plus strand (C>T on the coding strand, the complement: SIK1 is on the minus strand). VCF-style: chr21-43419363-G-A. GRCh37 (hg19) VCF-style: chr21-44839243-G-A.
Other names: short protein forms S412L.
Identifiers: ClinVar variation 1393532 (VCV001393532.34), dbSNP rs368079556, ClinGen allele CA321326079.

ClinVar aggregate classification (germline): Conflicting classifications of pathogenicity. Review status: criteria provided, conflicting classifications (1 of 4 stars). 3 submissions from 3 submitters: Uncertain significance (1); Likely benign (2). Last evaluated 2025-10-27.

Conditions:
Inborn genetic diseases. Identifiers: MedGen C0950123, MeSH D030342.
Developmental and epileptic encephalopathy, 30 (DEE30). Also called: Epileptic encephalopathy, early infantile, 30. Identifiers: OMIM 616341, MedGen C4225360, MONDO:0014595.

Allele frequency attached by ClinVar (database versions not stated): gnomAD exomes 0.00002; ExAC 0.00005; ESP Exome Variant Server 0.00015.

Submissions (3):

Labcorp Genetics (formerly Invitae), Labcorp
Classification: Uncertain significance for Developmental and epileptic encephalopathy, 30. Last evaluated: 2025-10-27. Review status: criteria provided, single submitter. Criteria: Invitae Variant Classification Sherloc (09022015). Collection method: clinical testing. Allele origin: germline.
Comment: This sequence change replaces serine, which is neutral and polar, with leucine, which is neutral and non-polar, at codon 412 of the SIK1 protein (p.Ser412Leu). This variant is present in population databases (rs368079556, gnomAD 0.005%). This variant has not been reported in the literature in individuals affected with SIK1-related conditions. ClinVar contains an entry for this variant (Variation ID: 1393532). Invitae Evidence Modeling of protein sequence and biophysical properties (such as structural, functional, and spatial information, amino acid conservation, physicochemical variation, residue mobility, and thermodynamic stability) indicates that this missense variant is not expected to disrupt SIK1 protein function with a negative predictive value of 95%. In summary, the available evidence is currently insufficient to determine the role of this variant in disease. Therefore, it has been classified as a Variant of Uncertain Significance.

CeGaT Center for Human Genetics Tuebingen
Classification: Likely benign. Last evaluated: 2022-08-01. Review status: criteria provided, single submitter. Criteria: CeGaT Center For Human Genetics Tuebingen Variant Classification Criteria Version 2. Collection method: clinical testing. Allele origin: germline. Affected: yes. Observed: 1 variant allele.
Comment: SIK1: BP4

Ambry Genetics
Classification: Likely benign for Inborn genetic diseases. Last evaluated: 2018-04-27. Review status: criteria provided, single submitter. Criteria: Ambry Variant Classification Scheme 2023. Collection method: clinical testing. Allele origin: germline.